The following is an entry in ClinVar:

NM_001875.5(CPS1):c.4106C>T (p.Ser1369Leu)

Gene: CPS1 (carbamoyl-phosphate synthase 1; plus strand). Cytogenetic location: 2q34.
Variant type: single nucleotide variant.
Coding change: c.4106C>T on transcript NM_001875.5 (MANE Select); coding-DNA position 4106, C replaced by T.
Protein change: p.Ser1369Leu; replaces serine 1369 with leucine.
Molecular consequence: missense variant. On other transcripts: non-coding transcript variant (2).
Genome position (GRCh38, 1-based): chr2:210,674,906, C>T. VCF-style: chr2-210674906-C-T. GRCh37 (hg19) VCF-style: chr2-211539630-C-T.
Other names: c.4106C>T, p.Ser1369Leu (NM_001122633.3, NM_001369257.1); c.4139C>T, p.Ser1380Leu (NM_001369256.1); short protein forms S1369L, S1380L.
Identifiers: ClinVar variation 1907647 (VCV001907647.5), dbSNP rs2469378510, ClinGen allele CA350440115.
Genomic context (GRCh38, chr2:210,674,906, plus strand): 5'-GCATAAATGAAGAGCATGTATATCTAGAAAGTGAATTTTGTGAAATTCCTTTTCAGCAAT[C>T]ATTCCGGCCAAGATTCCTTGGTGTGGCTGAACAATTACACAATGAAGGTTTCAAGGTATG-3'
Protein context (NP_001866.2, residues 1359-1379): QKGILIGIQQ[Ser1369Leu]FRPRFLGVAE

ClinVar aggregate classification (germline): Uncertain significance (1 of 4 stars; one submission).

Conditions:
Congenital hyperammonemia, type I. Also called: CPS I DEFICIENCY; Carbamoyl-phosphate synthase I deficiency; Carbamoyl phosphate synthetase I deficiency disease; Carbamoyl phosphate synthetase 1 deficiency; Hyperammonemia due to carbamoyl phosphate synthetase 1 deficiency; CPS 1 deficiency. Identifiers: Orphanet 147, MedGen C4082171, MONDO:0009376, OMIM 237300.

Submission:

Labcorp Genetics (formerly Invitae), Labcorp
Classification: Uncertain significance for Congenital hyperammonemia, type I. Last evaluated: 2024-05-06. Review status: criteria provided, single submitter. Criteria: Invitae Variant Classification Sherloc (09022015). Collection method: clinical testing. Allele origin: germline.
Comment: This sequence change replaces serine, which is neutral and polar, with leucine, which is neutral and non-polar, at codon 1369 of the CPS1 protein (p.Ser1369Leu). This variant is not present in population databases (gnomAD no frequency). This variant has not been reported in the literature in individuals affected with CPS1-related conditions. ClinVar contains an entry for this variant (Variation ID: 1907647). Advanced modeling of protein sequence and biophysical properties (such as structural, functional, and spatial information, amino acid conservation, physicochemical variation, residue mobility, and thermodynamic stability) performed at Invitae indicates that this missense variant is not expected to disrupt CPS1 protein function with a negative predictive value of 95%. In summary, the available evidence is currently insufficient to determine the role of this variant in disease. Therefore, it has been classified as a Variant of Uncertain Significance.